The following is an entry in ClinVar:

NM_014727.3(KMT2B):c.2560G>A (p.Glu854Lys)

Gene: KMT2B (lysine methyltransferase 2B; plus strand). Cytogenetic location: 19q13.12.
Variant type: single nucleotide variant.
Coding change: c.2560G>A on transcript NM_014727.3 (MANE Select); coding-DNA position 2560, G replaced by A.
Protein change: p.Glu854Lys; replaces glutamic acid 854 with lysine.
Molecular consequence: missense variant.
Genome position (GRCh38, 1-based): chr19:35,722,461, G>A. VCF-style: chr19-35722461-G-A. GRCh37 (hg19) VCF-style: chr19-36213363-G-A.
Other names: short protein forms E854K.
Identifiers: ClinVar variation 4797642 (VCV004797642.1).

ClinVar aggregate classification (germline): Uncertain significance (1 of 4 stars; one submission).

Submission:

Labcorp Genetics (formerly Invitae), Labcorp
Classification: Uncertain significance. Last evaluated: 2025-08-24. Review status: criteria provided, single submitter. Criteria: Invitae Variant Classification Sherloc (09022015). Collection method: clinical testing. Allele origin: germline.
Comment: This sequence change replaces glutamic acid, which is acidic and polar, with lysine, which is basic and polar, at codon 854 of the KMT2B protein (p.Glu854Lys). This variant is not present in population databases (gnomAD no frequency). This variant has not been reported in the literature in individuals affected with KMT2B-related conditions. Invitae Evidence Modeling of protein sequence and biophysical properties (such as structural, functional, and spatial information, amino acid conservation, physicochemical variation, residue mobility, and thermodynamic stability) indicates that this missense variant is not expected to disrupt KMT2B protein function with a negative predictive value of 95%. In summary, the available evidence is currently insufficient to determine the role of this variant in disease. Therefore, it has been classified as a Variant of Uncertain Significance.